The following is an entry in ClinVar:

NM_001017975.6(HFM1):c.1651G>T (p.Ala551Ser)

Gene: HFM1 (helicase for meiosis 1; minus strand). Cytogenetic location: 1p22.2.
Variant type: single nucleotide variant.
Coding change: c.1651G>T on transcript NM_001017975.6 (MANE Select); coding-DNA position 1651, G replaced by T.
Protein change: p.Ala551Ser; replaces alanine 551 with serine.
Molecular consequence: missense variant.
Genome position (GRCh38, 1-based): chr1:91,375,392, C>A on the plus strand (G>T on the coding strand, the complement: HFM1 is on the minus strand). VCF-style: chr1-91375392-C-A. GRCh37 (hg19) VCF-style: chr1-91840949-C-A.
Other names: short protein forms A551S.
Identifiers: ClinVar variation 714641 (VCV000714641.5), dbSNP rs183853995, ClinGen allele CA946180.
Genomic context (GRCh38, chr1:91,375,392, plus strand): 5'-TTCCATGAAAAAATAAAATACTATACCTCTGTTTCTGTTCCACAGTCATAATAAATTTAG[C>A]ATCTTTCACAAGAACAGAAGCAGCCTGTTGCACACCCTTCCTTGTTGCACAAAACTGAAA-3'
Protein context (NP_001017975.5, residues 541-561): QQAASVLVKD[Ala551Ser]KFIMTVEQKQ

ClinVar aggregate classification (germline): Likely benign. Review status: criteria provided, multiple submitters, no conflicts (2 of 4 stars). 3 submissions from 3 submitters: Likely benign (3). Last evaluated 2026-07-27.

Conditions:
HFM1-related disorder. Also called: HFM1-related condition.

Allele frequency attached by ClinVar (database versions not stated): gnomAD 0.00156 and 0.00169; TOPMed 0.00175; 1000 Genomes Project 0.00240; 1000 Genomes Project 30x 0.00250; gnomAD exomes 0.00017 and 0.00043; ExAC 0.00055; ESP Exome Variant Server 0.00102.
gnomAD v4.1: 515 of 1,612,772 alleles (0.032%); highest among the groups gnomAD compares: African/African-American, 0.6%; no homozygotes.

Submissions (3):

PreventionGenetics, part of Exact Sciences
Classification: Likely benign for HFM1-related condition. Last evaluated: 2026-07-27. Review status: criteria provided, single submitter. Criteria: ACMG Guidelines, 2015. Collection method: clinical testing. Allele origin: germline.
Comment: This variant is classified as likely benign based on ACMG/AMP sequence variant interpretation guidelines (Richards et al. 2015 PMID: 25741868, with internal and published modifications).

Labcorp Genetics (formerly Invitae), Labcorp
Classification: Likely benign. Last evaluated: 2017-11-29. Review status: criteria provided, single submitter. Criteria: Invitae Variant Classification Sherloc (09022015). Collection method: clinical testing. Allele origin: germline.

Breakthrough Genomics
Classification: Likely benign. Review status: criteria provided, single submitter. Criteria: ACMG Guidelines, 2015. Collection method: not provided. Allele origin: germline. Inheritance: Autosomal recessive inheritance. Affected: yes.